The following is an entry in ClinVar:

NM_001046.3(SLC12A2):c.305_306insAGC (p.Ala107_Gly108insAla)

Genes: SLC12A2 (solute carrier family 12 member 2; plus strand), LOC129994526 (ATAC-STARR-seq lymphoblastoid silent region 16295; plus strand). Cytogenetic location: 5q23.3.
Variant type: Insertion.
Coding change: c.305_306insAGC on transcript NM_001046.3 (MANE Select); coding-DNA positions 305 to 306, AGC inserted.
Protein change: p.Ala107_Gly108insAla.
Molecular consequence: inframe insertion. On other transcripts: non-coding transcript variant (1).
Genome position: GRCh38 VCF-style: chr5-128084257-G-GGCA. GRCh37 (hg19) VCF-style: chr5-127419949-G-GGCA.
Other names: c.305_306insAGC, p.Ala107_Gly108insAla (NM_001256461.2).
Identifiers: ClinVar variation 4697718 (VCV004697718.1).
Genomic context (GRCh38, chr5:128,084,257, plus strand): 5'-CCAGGTGGACCTGGTTTCCGAGAACGCCGGGCGGGCCGCTGCTGCGGCGGCGGCGGCGGC[G>GGCA]GCGGCAGCGGCGGCGGCTGGTGCTGGGGCGGGGGCCAAGCAGACCCCCGCGGACGGGGAA-3'

ClinVar aggregate classification (germline): Uncertain significance (1 of 4 stars; one submission).

Submission:

Labcorp Genetics (formerly Invitae), Labcorp
Classification: Uncertain significance. Last evaluated: 2025-07-21. Review status: criteria provided, single submitter. Criteria: Invitae Variant Classification Sherloc (09022015). Collection method: clinical testing. Allele origin: germline.
Comment: This variant, c.305_306insAGC, results in the insertion of 1 amino acid(s) of the SLC12A2 protein (p.Ala107dup), but otherwise preserves the integrity of the reading frame. The frequency data for this variant in the population databases is considered unreliable, as metrics indicate poor data quality at this position in the gnomAD database. This variant has not been reported in the literature in individuals affected with SLC12A2-related conditions. In summary, the available evidence is currently insufficient to determine the role of this variant in disease. Therefore, it has been classified as a Variant of Uncertain Significance.